The following is an entry in ClinVar:

NM_002691.4(POLD1):c.2211dup (p.Lys738Ter)

Gene: POLD1 (DNA polymerase delta 1, catalytic subunit; plus strand). Cytogenetic location: 19q13.33.
Variant type: Duplication.
Coding change: c.2211dup on transcript NM_002691.4 (MANE Select); coding-DNA position 2211, one base duplicated (T; older notation c.2211dupT).
Protein change: p.Lys738Ter; replaces lysine 738 with a stop codon.
Molecular consequence: nonsense. On other transcripts: non-coding transcript variant (1).
Genome position (GRCh38, 1-based): chr19:50,413,482, T duplicated. VCF-style (leftmost placement, unchanged base first): chr19-50413481-C-CT. GRCh37 (hg19) VCF-style: chr19-50916738-C-CT.
Other names: c.2211dup, p.Lys738Ter (NM_001256849.1); c.2289dup, p.Lys764Ter (NM_001308632.1); c.2211dupT (NM_002691.2, NM_002691.4); short protein forms K764*, K738*.
Identifiers: ClinVar variation 949131 (VCV000949131.11), dbSNP rs2039159849, ClinGen allele CA1139666561.

ClinVar aggregate classification (germline): Uncertain significance. Review status: criteria provided, multiple submitters, no conflicts (2 of 4 stars). 3 submissions from 3 submitters: Uncertain significance (3). Last evaluated 2025-05-22.

Conditions:
POLD1-related polyposis and colorectal cancer syndrome (CRCS10). Also called: Colorectal cancer 10; COLORECTAL CANCER, SUSCEPTIBILITY TO, ON CHROMOSOME 19q; Colorectal cancer, susceptibility to, 10. Identifiers: Orphanet 220460, MedGen C2675481, MONDO:0012953, OMIM 612591.
Hereditary cancer-predisposing syndrome. Also called: Hereditary neoplastic syndrome; Tumor predisposition; Neoplastic Syndromes, Hereditary; Hereditary Cancer Syndrome. Identifiers: Orphanet 140162, MedGen C0027672, MeSH D009386, MONDO:0015356.

Allele frequency attached by ClinVar (database versions not stated): gnomAD exomes below 0.00001.

Submissions (3):

Ambry Genetics
Classification: Uncertain significance for Hereditary cancer-predisposing syndrome. Last evaluated: 2025-05-22. Review status: criteria provided, single submitter. Criteria: Ambry Variant Classification Scheme 2023. Collection method: clinical testing. Allele origin: germline.
Comment: The c.2211dupT variant, located in coding exon 17 of the POLD1 gene, results from a duplication of T at nucleotide position 2211, causing a translational frameshift with a predicted alternate stop codon (p.K738*). This alteration is expected to result in loss of function by premature protein truncation or nonsense-mediated mRNA decay. However, loss of function of POLD1 has not been established as a mechanism of disease. Based on the available evidence, the clinical significance of this variant remains unclear.

Labcorp Genetics (formerly Invitae), Labcorp
Classification: Uncertain significance for POLD1-related polyposis and colorectal cancer syndrome. Last evaluated: 2025-04-14. Review status: criteria provided, single submitter. Criteria: Invitae Variant Classification Sherloc (09022015). Collection method: clinical testing. Allele origin: germline.
Comment: This sequence change creates a premature translational stop signal (p.Lys738*) in the POLD1 gene. Missense variants that disrupt the 3'-5' exonuclease (proof-reading) activity of the POLD1 protein are associated with PPAP (polymerase proofreading–associated polyposis) (PMID: 23263490, 23447401). However, loss-of-function variants that result in an absent or severely disrupted POLD1 protein, and missense variants outside the exonuclease domain, are unlikely to be associated with PPAP. This variant is not present in population databases (gnomAD no frequency). This variant has not been reported in the literature in individuals affected with POLD1-related conditions. ClinVar contains an entry for this variant (Variation ID: 949131). In summary, the available evidence is currently insufficient to determine the role of this variant in disease. Therefore, it has been classified as a Variant of Uncertain Significance.

Women's Health and Genetics/Laboratory Corporation of America, LabCorp
Classification: Uncertain significance. Last evaluated: 2024-07-31. Review status: criteria provided, single submitter. Criteria: LabCorp Variant Classification Summary - May 2015. Collection method: clinical testing. Allele origin: germline.
Comment: Variant summary: POLD1 c.2211dupT (p.Lys738X) results in a premature termination codon, predicted to cause absence of the protein due to nonsense mediated decay, however current evidence is not sufficient to establish loss of function as a mechanism for disease. The variant was absent in 248518 control chromosomes (gnomAD). The available data on variant occurrences in the general population are insufficient to allow any conclusion about variant significance. To our knowledge, no occurrence of c.2211dupT in individuals affected with Mandibular Hypoplasia, Deafness, Progeroid Features, And Lipodystrophy Syndrome and no experimental evidence demonstrating its impact on protein function have been reported. ClinVar contains an entry for this variant (Variation ID: 949131). Based on the evidence outlined above, the variant was classified as uncertain significance.

Literature cited by the submitters: PubMed 23263490 (cited by Labcorp Genetics (formerly Invitae), Labcorp); PubMed 23447401 (cited by Labcorp Genetics (formerly Invitae), Labcorp).